The following is an entry in ClinVar:

ClinVar aggregate classification (germline): Pathogenic/Likely pathogenic. Review status: criteria provided, multiple submitters, no conflicts (2 of 4 stars). 2 submissions from 2 submitters: Pathogenic (1); Likely pathogenic (1). Last evaluated 2025-04-24.

Conditions:
Arrhythmogenic cardiomyopathy with wooly hair and keratoderma. Also called: PALMOPLANTAR KERATODERMA WITH LEFT VENTRICULAR CARDIOMYOPATHY AND WOOLLY HAIR; Carvajal syndrome; Dilated cardiomyopathy with woolly hair and keratoderma; Arrhythmogenic cardiomyopathy with woolly hair and keratoderma. Identifiers: Orphanet 65282, MedGen C1854063, MONDO:0011581, OMIM 605676.
Arrhythmogenic right ventricular dysplasia 8 (ARVD8). Also called: Arrhythmogenic Right Ventricular Dysplasia/Cardiomyopathy 8; ARRHYTHMOGENIC RIGHT VENTRICULAR DYSPLASIA, FAMILIAL, 8; ARRHYTHMOGENIC RIGHT VENTRICULAR CARDIOMYOPATHY 8. Identifiers: MedGen C1843896, MONDO:0011831, OMIM 607450.
Cardiomyopathy (CMYO). Also called: Cardiomyopathies. Identifiers: Orphanet 167848, MedGen C0878544, MONDO:0004994, HP:0001638. Inheritance: Various modes of inheritance.

Submissions (2):

Labcorp Genetics (formerly Invitae), Labcorp
Classification: Pathogenic for Arrhythmogenic cardiomyopathy with wooly hair and keratoderma; Arrhythmogenic right ventricular dysplasia 8. Last evaluated: 2025-04-24. Review status: criteria provided, single submitter. Criteria: Invitae Variant Classification Sherloc (09022015). Collection method: clinical testing. Allele origin: germline.
Comment: This sequence change creates a premature translational stop signal (p.Arg2151Profs*5) in the DSP gene. While this is not anticipated to result in nonsense mediated decay, it is expected to disrupt the last 721 amino acid(s) of the DSP protein. This variant is not present in population databases (gnomAD no frequency). This variant has not been reported in the literature in individuals affected with DSP-related conditions. ClinVar contains an entry for this variant (Variation ID: 921113). This variant disrupts a region of the DSP protein in which other variant(s) (p.Tyr2731Trpfs*5) have been determined to be pathogenic (PMID: 21859740, 32164419; internal data). This suggests that this is a clinically significant region of the protein, and that variants that disrupt it are likely to be disease-causing. For these reasons, this variant has been classified as Pathogenic.

Color Diagnostics, LLC DBA Color Health
Classification: Likely pathogenic for Cardiomyopathy. Last evaluated: 2020-03-16. Review status: criteria provided, single submitter. Criteria: ACMG Guidelines, 2015. Collection method: clinical testing. Allele origin: germline.
Comment: This variant duplicates 1 nucleotide in exon 24 of the DSP gene, creating a frameshift and premature translation stop signal. This variant is expected to result in the expression of a truncated protein product lacking C-terminal plakin repeat domains that bind intermediate filaments. To our knowledge, functional studies have not been reported for this variant. This variant has not been reported in individuals affected with cardiovascular disorders in the literature. This variant has not been identified in the general population by the Genome Aggregation Database (gnomAD). Truncations (p.Arg2166*, p.Lys2693Profs*3, p.Thr2733Serfs*14, p.Gln2765Alafs*23) that lie downstream of this variant have been reported in individuals affected with arrhythmogenic right ventricular cardiomyopathy or dilated cardiomyopathy (Clinvar). Loss of DSP function is a known mechanism of disease. Based on the available evidence, this variant is classified as Likely Pathogenic.

Literature cited by the submitters: PubMed 21859740 (cited by Labcorp Genetics (formerly Invitae), Labcorp); PubMed 32164419 (cited by Labcorp Genetics (formerly Invitae), Labcorp).

NM_004415.4(DSP):c.6451dup (p.Arg2151fs)

Gene: DSP (desmoplakin; plus strand). Cytogenetic location: 6p24.3.
Variant type: Duplication.
Coding change: c.6451dup on transcript NM_004415.4 (MANE Select); coding-DNA position 6451, one base duplicated (C; older notation c.6451dupC).
Protein change: p.Arg2151fs; shifts the reading frame from arginine 2151.
Molecular consequence: frameshift variant.
Genome position (GRCh38, 1-based): chr6:7,583,713, C duplicated; the last of 3 consecutive C bases (chr6:7,583,711-7,583,713); duplicating any one gives the same sequence. VCF-style (leftmost placement, unchanged base first): chr6-7583710-G-GC. GRCh37 (hg19) VCF-style: chr6-7583943-G-GC.
Other names: c.4654dup, p.Arg1552fs (NM_001008844.3); c.5122dup, p.Arg1708fs (NM_001319034.2); short protein forms R1552fs, R1708fs, R2151fs.
Identifiers: ClinVar variation 921113 (VCV000921113.4), dbSNP rs1759533568, ClinGen allele CA1139659422.